The following is an entry in ClinVar:

NM_005228.5(EGFR):c.1929C>G (p.Ile643Met)

Gene: EGFR (epidermal growth factor receptor; plus strand). Cytogenetic location: 7p11.2.
Variant type: single nucleotide variant.
Coding change: c.1929C>G on transcript NM_005228.5 (MANE Select); coding-DNA position 1929, C replaced by G.
Protein change: p.Ile643Met; replaces isoleucine 643 with methionine.
Molecular consequence: missense variant.
Genome position (GRCh38, 1-based): chr7:55,172,992, C>G. VCF-style: chr7-55172992-C-G. GRCh37 (hg19) VCF-style: chr7-55240685-C-G.
Other names: c.1794C>G, p.Ile598Met (NM_001346897.2, NM_001346899.2); c.1929C>G, p.Ile643Met (NM_001346898.2); c.1770C>G, p.Ile590Met (NM_001346900.2); c.1128C>G, p.Ile376Met (NM_001346941.2); short protein forms I590M, I376M, I643M, I598M.
Identifiers: ClinVar variation 3843833 (VCV003843833.1).
Genomic context (GRCh38, chr7:55,172,992, plus strand): 5'-ATGGAATCTGTCAGCAACCTCACCCTTCCTTGTTCCTCCACCTCATTCCAGGCCTAAGAT[C>G]CCGTCCATCGCCACTGGGATGGTGGGGGCCCTCCTCTTGCTGCTGGTGGTGGCCCTGGGG-3'
Protein context (NP_005219.2, residues 633-653): LEGCPTNGPK[Ile643Met]PSIATGMVGA

ClinVar aggregate classification (germline): Uncertain significance (1 of 4 stars; one submission).

Conditions:
Hereditary cancer-predisposing syndrome. Also called: Hereditary neoplastic syndrome; Neoplastic Syndromes, Hereditary; Tumor predisposition; Hereditary Cancer Syndrome. Identifiers: Orphanet 140162, MedGen C0027672, MeSH D009386, MONDO:0015356.

Submission:

Ambry Genetics
Classification: Uncertain significance for Hereditary cancer-predisposing syndrome. Last evaluated: 2025-02-14. Review status: criteria provided, single submitter. Criteria: Ambry Variant Classification Scheme 2023. Collection method: clinical testing. Allele origin: germline.
Comment: The p.I643M variant (also known as c.1929C>G), located in coding exon 17 of the EGFR gene, results from a C to G substitution at nucleotide position 1929. The isoleucine at codon 643 is replaced by methionine, an amino acid with highly similar properties. This amino acid position is well conserved in available vertebrate species. In addition, this alteration is predicted to be tolerated by in silico analysis. Based on the available evidence, the clinical significance of this variant remains unclear.